The following is an entry in ClinVar:

ClinVar aggregate classification (germline): Uncertain significance (1 of 4 stars; one submission).

Conditions:
Hereditary cancer-predisposing syndrome. Also called: Neoplastic Syndromes, Hereditary; Tumor predisposition; Hereditary Cancer Syndrome; Hereditary neoplastic syndrome. Identifiers: Orphanet 140162, MedGen C0027672, MeSH D009386, MONDO:0015356.

Submission:

Ambry Genetics
Classification: Uncertain significance for Hereditary cancer-predisposing syndrome. Last evaluated: 2024-10-12. Review status: criteria provided, single submitter. Criteria: Ambry Variant Classification Scheme 2023. Collection method: clinical testing. Allele origin: germline.
Comment: The p.I446F variant (also known as c.1336A>T), located in coding exon 10 of the APC gene, results from an A to T substitution at nucleotide position 1336. The isoleucine at codon 446 is replaced by phenylalanine, an amino acid with highly similar properties. This amino acid position is conserved. In addition, in silico predictors for this gene do not accurately predict pathogenicity. Based on the available evidence, the clinical significance of this variant remains unclear.

NM_000038.6(APC):c.1336A>T (p.Ile446Phe)

Gene: APC (APC regulator of Wnt signaling pathway; plus strand). Cytogenetic location: 5q22.2.
Variant type: single nucleotide variant.
Coding change: c.1336A>T on transcript NM_000038.6 (MANE Select); coding-DNA position 1336, A replaced by T.
Protein change: p.Ile446Phe; replaces isoleucine 446 with phenylalanine.
Molecular consequence: missense variant. On other transcripts: non-coding transcript variant (2).
Genome position (GRCh38, 1-based): chr5:112,821,919, A>T. VCF-style: chr5-112821919-A-T. GRCh37 (hg19) VCF-style: chr5-112157616-A-T.
Other names: c.1252A>T, p.Ile418Phe (NM_001354899.2, NM_001407452.1); c.1159A>T, p.Ile387Phe (NM_001354900.2, NM_001354901.2, NM_001407453.1); c.1063A>T, p.Ile355Phe (NM_001354902.2); c.1033A>T, p.Ile345Phe (NM_001354903.2, NM_001407454.1, NM_001407455.1 and 5 more transcripts); c.958A>T, p.Ile320Phe (NM_001354904.2); c.856A>T, p.Ile286Phe (NM_001354905.2); c.487A>T, p.Ile163Phe (NM_001354906.2, NM_001407470.1); c.1366A>T, p.Ile456Phe (NM_001407446.1, NM_001354897.2); and 5 more; short protein forms I317F, I446F, I62F, I355F, I387F, I418F, I421F, I163F.
Identifiers: ClinVar variation 3411650 (VCV003411650.1).